The following is an entry in ClinVar:

NM_006180.6(NTRK2):c.1397-1G>C

Gene: NTRK2 (neurotrophic receptor tyrosine kinase 2; plus strand). Cytogenetic location: 9q21.33.
Variant type: single nucleotide variant.
Coding change: c.1397-1G>C on transcript NM_006180.6 (MANE Select); the canonical splice acceptor site of the intron before coding-DNA position 1397, G replaced by C.
Molecular consequence: splice acceptor variant. On other transcripts: intron variant (7).
Genome position (GRCh38, 1-based): chr9:84,861,039, G>C. VCF-style: chr9-84861039-G-C. GRCh37 (hg19) VCF-style: chr9-87475954-G-C.
Other names: c.1397-6204G>C (NM_001369532.1, NM_001369533.1, NM_001018066.3 and 2 more transcripts); c.1397-1G>C (NM_001369537.1, NM_001018065.2); c.1361-6204G>C (NM_001369534.1); c.929-1G>C (NM_001369536.1); c.929-6204G>C (NM_001369535.1).
Identifiers: ClinVar variation 2056320 (VCV002056320.4), dbSNP rs2490205385, ClinGen allele CA374010434.
Genomic context (GRCh38, chr9:84,861,039, plus strand): 5'-GACCACCTCCGGTTTCTACTTCTCTTTCGAAGTTTATTTTATGTTTTGTTGTGGTTTTCA[G>C]ATTTCTCATGGTTTGGATTTGGGAAAGTAAAATCAAGACAAGGTGTTGGTAAGTAGTTAA-3'

ClinVar aggregate classification (germline): Likely pathogenic (1 of 4 stars; one submission).

Allele frequency attached by ClinVar (database versions not stated): gnomAD exomes below 0.00001.
gnomAD v4.1: 1 of 1,613,198 alleles (0.000062%); highest among the groups gnomAD compares: Non-Finnish European, 0.000085%; no homozygotes.

Submission:

Labcorp Genetics (formerly Invitae), Labcorp
Classification: Likely pathogenic. Last evaluated: 2025-03-07. Review status: criteria provided, single submitter. Criteria: Invitae Variant Classification Sherloc (09022015). Collection method: clinical testing. Allele origin: germline.
Comment: This sequence change affects an acceptor splice site in intron 14 of the NTRK2 gene. It is expected to disrupt RNA splicing. Variants that disrupt the donor or acceptor splice site typically lead to a loss of protein function (PMID: 16199547), and loss-of-function variants in NTRK2 are known to be pathogenic (PMID: 23512795, 27884935). This variant is not present in population databases (gnomAD no frequency). This variant has not been reported in the literature in individuals affected with NTRK2-related conditions. ClinVar contains an entry for this variant (Variation ID: 2056320). Algorithms developed to predict the effect of sequence changes on RNA splicing suggest that this variant may disrupt the consensus splice site. In summary, the currently available evidence indicates that the variant is pathogenic, but additional data are needed to prove that conclusively. Therefore, this variant has been classified as Likely Pathogenic.

Literature cited by the submitters: PubMed 16199547; PubMed 23512795; PubMed 27884935.